The following is an entry in ClinVar:

ClinVar aggregate classification (germline): Likely pathogenic (1 of 4 stars; one submission).

Conditions:
Cardiovascular phenotype. Identifiers: MedGen CN230736.

Submission:

Ambry Genetics
Classification: Likely pathogenic for Cardiovascular phenotype. Last evaluated: 2018-06-07. Review status: criteria provided, single submitter. Criteria: Ambry Variant Classification Scheme 2023. Collection method: clinical testing. Allele origin: germline.
Comment: The p.E436* variant (also known as c.1306G>T), located in coding exon 4 of the BAG3 gene, results from a G to T substitution at nucleotide position 1306. This changes the amino acid from a glutamic acid to a stop codon within coding exon 4. Premature stop codons are typically deleterious in nature, however, this stop codon occurs at the 3' terminus of BAG3, is not expected to trigger nonsense-mediated mRNA decay, and removes the last 140 amino acids of the protein, including the majority of the BAG domain. Thus, this variant is likely to be pathogenic.

NM_004281.4(BAG3):c.1306G>T (p.Glu436Ter)

Gene: BAG3 (BAG cochaperone 3; plus strand). Cytogenetic location: 10q26.11.
Variant type: single nucleotide variant.
Coding change: c.1306G>T on transcript NM_004281.4 (MANE Select); coding-DNA position 1306, G replaced by T.
Protein change: p.Glu436Ter; replaces glutamic acid 436 with a stop codon.
Molecular consequence: nonsense.
Genome position (GRCh38, 1-based): chr10:119,676,860, G>T. VCF-style: chr10-119676860-G-T. GRCh37 (hg19) VCF-style: chr10-121436372-G-T.
Other names: short protein forms E436*.
Identifiers: ClinVar variation 1769533 (VCV001769533.2), dbSNP rs2494023702, ClinGen allele CA378297031.